The following is an entry in ClinVar:

ClinVar aggregate classification (germline): Uncertain significance. Review status: criteria provided, multiple submitters, no conflicts (2 of 4 stars). 2 submissions from 2 submitters: Uncertain significance (2). Last evaluated 2025-05-01.

Conditions:
Aicardi-Goutieres syndrome 5. Identifiers: Orphanet 51, MedGen C2749659, MONDO:0013059, OMIM 612952.

Allele frequency attached by ClinVar (database versions not stated): gnomAD 0.00001 and 0.00002; gnomAD exomes 0.00001; TOPMed 0.00001.
gnomAD v4.1: 11 of 1,612,878 alleles (0.00068%); highest among the groups gnomAD compares: East Asian, 0.0045%; no homozygotes.

Submissions (2):

Neurogenetics Team, Indira Gandhi Institute of Child Health
Classification: Uncertain significance for Aicardi-Goutieres syndrome 5. Last evaluated: 2025-05-01. Review status: criteria provided, single submitter. Criteria: ACMG Guidelines, 2015. Collection method: clinical testing. Allele origin: biparental. Inheritance: Autosomal recessive inheritance. Affected: yes. Observed: 1 homozygote.
Comment: The variant identified, c.1352G>A, p.(Arg451His) is present an extremely low frequency in the population databases like gnomAD (PM2). Multiple insilico tools predict the variant to be pathogenic (PP3). The variant segregated with multiple affected members in the family (PP1). The variant is classified as uncertain significance based on the above criteria.

CeGaT Center for Human Genetics Tuebingen
Classification: Uncertain significance. Last evaluated: 2024-01-01. Review status: criteria provided, single submitter. Criteria: CeGaT Center For Human Genetics Tuebingen Variant Classification Criteria Version 2. Collection method: clinical testing. Allele origin: germline. Affected: yes. Observed: 1 variant allele.

NM_015474.4(SAMHD1):c.1352G>A (p.Arg451His)

Gene: SAMHD1 (SAM and HD domain containing deoxynucleoside triphosphate triphosphohydrolase 1; minus strand). Cytogenetic location: 20q11.23.
Variant type: single nucleotide variant.
Coding change: c.1352G>A on transcript NM_015474.4 (MANE Select); coding-DNA position 1352, G replaced by A.
Protein change: p.Arg451His; replaces arginine 451 with histidine.
Molecular consequence: missense variant.
Genome position (GRCh38, 1-based): chr20:36,905,422, C>T on the plus strand (G>A on the coding strand, the complement: SAMHD1 is on the minus strand). VCF-style: chr20-36905422-C-T. GRCh37 (hg19) VCF-style: chr20-35533825-C-T.
Other names: c.1352G>A, p.Arg451His (NM_001363729.2, NM_001363733.2); short protein forms R451H.
Identifiers: ClinVar variation 809248 (VCV000809248.43), dbSNP rs928144229, ClinGen allele CA314287083.